The following is an entry in ClinVar:

NM_003803.4(MYOM1):c.3745G>T (p.Glu1249Ter)

Gene: MYOM1 (myomesin 1; minus strand). Cytogenetic location: 18p11.31.
Variant type: single nucleotide variant.
Coding change: c.3745G>T on transcript NM_003803.4 (MANE Select); coding-DNA position 3745, G replaced by T.
Protein change: p.Glu1249Ter; replaces glutamic acid 1249 with a stop codon.
Molecular consequence: nonsense.
Genome position (GRCh38, 1-based): chr18:3,094,289, C>A on the plus strand (G>T on the coding strand, the complement: MYOM1 is on the minus strand). VCF-style: chr18-3094289-C-A. GRCh37 (hg19) VCF-style: chr18-3094287-C-A.
Other names: c.3457G>T, p.Glu1153Ter (NM_019856.2); short protein forms E1249*, E1153*.
Identifiers: ClinVar variation 1513655 (VCV001513655.6), dbSNP rs7229433, ClinGen allele CA401713525.

ClinVar aggregate classification (germline): Uncertain significance (1 of 4 stars; one submission).

Conditions:
Hypertrophic cardiomyopathy. Also called: HYPERTROPHIC MYOCARDIOPATHY. Identifiers: Orphanet 217569, MedGen C0007194, MeSH D002312, MONDO:0005045, HP:0001639.

Allele frequency attached by ClinVar (database versions not stated): gnomAD exomes below 0.00001; gnomAD 0.00001; TOPMed 0.00001.
gnomAD v4.1: 1 of 1,612,398 alleles (0.000062%); highest among the groups gnomAD compares: African/African-American, 0.0013%; no homozygotes.

Submission:

Labcorp Genetics (formerly Invitae), Labcorp
Classification: Uncertain significance for Hypertrophic cardiomyopathy. Last evaluated: 2023-08-04. Review status: criteria provided, single submitter. Criteria: Invitae Variant Classification Sherloc (09022015). Collection method: clinical testing. Allele origin: germline.
Comment: In summary, the available evidence is currently insufficient to determine the role of this variant in disease. Therefore, it has been classified as a Variant of Uncertain Significance. ClinVar contains an entry for this variant (Variation ID: 1513655). This variant has not been reported in the literature in individuals affected with MYOM1-related conditions. This variant is present in population databases (no rsID available, gnomAD 0.007%). This sequence change creates a premature translational stop signal (p.Glu1249*) in the MYOM1 gene. It is expected to result in an absent or disrupted protein product. However, the current clinical and genetic evidence is not sufficient to establish whether loss-of-function variants in MYOM1 cause disease.